The following is an entry in ClinVar:

ClinVar aggregate classification (germline): Conflicting classifications of pathogenicity. Review status: criteria provided, conflicting classifications (1 of 4 stars). 7 submissions from 7 submitters: Uncertain significance (1); Benign (1); Likely benign (5). Last evaluated 2026-02-03.

Conditions:
Shprintzen-Goldberg syndrome (SGS). Also called: Marfanoid disorder with craniosynostosis type 1; Marfanoid craniosynostosis syndrome; Shprintzen-Goldberg marfanoid syndrome; SHPRINTZEN-GOLDBERG CRANIOSYNOSTOSIS SYNDROME; CRANIOSYNOSTOSIS WITH ARACHNODACTYLY AND ABDOMINAL HERNIAS. Identifiers: Orphanet 2462, MedGen C1321551, MONDO:0008426, OMIM 182212.
Familial thoracic aortic aneurysm and aortic dissection (TAAD). Also called: Thoracic aortic aneurysms and dissections. Identifiers: Orphanet 91387, MedGen C4707243, MONDO:0019625.
SKI-related disorder. Also called: SKI-related condition.

Allele frequency attached by ClinVar (database versions not stated): gnomAD exomes 0.00008 and 0.00012; ExAC 0.00011; gnomAD 0.00011; TOPMed 0.00011; ESP Exome Variant Server 0.00023.
gnomAD v4.1: 195 of 1,611,604 alleles (0.012%); highest among the groups gnomAD compares: African/African-American, 0.02%; no homozygotes.

Submissions (7):

GeneDx
Classification: Uncertain significance. Last evaluated: 2026-02-03. Review status: criteria provided, single submitter. Criteria: GeneDx Variant Classification Process June 2021. Collection method: clinical testing. Allele origin: germline. Affected: yes.
Comment: In silico analysis suggests this variant may impact gene splicing. In the absence of RNA/functional studies, the actual effect of this sequence change is unknown.; Has not been previously published as pathogenic or benign to our knowledge

PreventionGenetics, part of Exact Sciences
Classification: Likely benign for SKI-related condition. Last evaluated: 2026-01-06. Review status: criteria provided, single submitter. Criteria: ACMG Guidelines, 2015. Collection method: clinical testing. Allele origin: germline.
Comment: This variant is classified as likely benign based on ACMG/AMP sequence variant interpretation guidelines (Richards et al. 2015 PMID: 25741868, with internal and published modifications).

CeGaT Center for Human Genetics Tuebingen
Classification: Likely benign. Last evaluated: 2026-01-01. Review status: criteria provided, single submitter. Criteria: CeGaT Center For Human Genetics Tuebingen Variant Classification Criteria Version 2. Collection method: clinical testing. Allele origin: germline. Affected: yes. Observed: 1 variant allele.
Comment: SKI: BP4

Labcorp Genetics (formerly Invitae), Labcorp
Classification: Likely benign for Shprintzen-Goldberg syndrome. Last evaluated: 2025-12-03. Review status: criteria provided, single submitter. Criteria: Invitae Variant Classification Sherloc (09022015). Collection method: clinical testing. Allele origin: germline.

Ambry Genetics
Classification: Likely benign for Familial thoracic aortic aneurysm and aortic dissection. Last evaluated: 2025-05-02. Review status: criteria provided, single submitter. Criteria: Ambry Variant Classification Scheme 2023. Collection method: clinical testing. Allele origin: germline.

Women's Health and Genetics/Laboratory Corporation of America, LabCorp
Classification: Benign. Last evaluated: 2023-08-24. Review status: criteria provided, single submitter. Criteria: LabCorp Variant Classification Summary - May 2015. Collection method: clinical testing. Allele origin: germline.

Blueprint Genetics
Classification: Likely benign. Last evaluated: 2019-12-03. Review status: criteria provided, single submitter. Criteria: ACMG Guidelines, 2015. Collection method: clinical testing. Allele origin: germline.

NM_003036.4(SKI):c.1329C>T (p.Pro443=)

Gene: SKI (SKI proto-oncogene; plus strand). Cytogenetic location: 1p36.32.
Variant type: single nucleotide variant.
Coding change: c.1329C>T on transcript NM_003036.4 (MANE Select); coding-DNA position 1329, C replaced by T.
Protein change: p.Pro443=; no amino-acid change (proline 443 retained).
Molecular consequence: synonymous variant.
Genome position (GRCh38, 1-based): chr1:2,303,957, C>T. VCF-style: chr1-2303957-C-T. GRCh37 (hg19) VCF-style: chr1-2235396-C-T.
Identifiers: ClinVar variation 385791 (VCV000385791.23), dbSNP rs150033567, ClinGen allele CA536680.